The following is an entry in ClinVar:

NM_017633.3(TENT5A):c.269T>G (p.Phe90Cys)

Gene: TENT5A (terminal nucleotidyltransferase 5A; minus strand). Cytogenetic location: 6q14.1.
Variant type: single nucleotide variant.
Coding change: c.269T>G on transcript NM_017633.3 (MANE Select); coding-DNA position 269, T replaced by G.
Protein change: p.Phe90Cys; replaces phenylalanine 90 with cysteine.
Molecular consequence: missense variant.
Genome position (GRCh38, 1-based): chr6:81,751,873, A>C on the plus strand (T>G on the coding strand, the complement: TENT5A is on the minus strand). VCF-style: chr6-81751873-A-C. GRCh37 (hg19) VCF-style: chr6-82461590-A-C.
Other names: short protein forms F90C.
Identifiers: ClinVar variation 4077177 (VCV004077177.1).
Genomic context (GRCh38, chr6:81,751,873, plus strand): 5'-TCGGCCAGGCGCCGCCGCACCACCTTCACGATCAGGCTCGGCTGCAGCTCGAGCGTGGGG[A>C]AGTTGCCGCGCCCGTGAATCGGAATGGTCTCGCTCAGGATGCCGTCCAGCCGCTGCACTT-3'
Protein context (NP_060103.2, residues 80-100): ETIPIHGRGN[Phe90Cys]PTLELQPSLI

ClinVar aggregate classification (germline): Uncertain significance (1 of 4 stars; one submission).

Submission:

GeneDx
Classification: Uncertain significance. Last evaluated: 2023-06-15. Review status: criteria provided, single submitter. Criteria: GeneDx Variant Classification Process June 2021. Collection method: clinical testing. Allele origin: germline. Affected: yes.
Comment: Not observed at significant frequency in large population cohorts (gnomAD); In silico analysis supports that this missense variant has a deleterious effect on protein structure/function; Has not been previously published as pathogenic or benign to our knowledge; Variants in candidate genes are classified as variants of uncertain significance in accordance with ACMG guidelines (Richards et al., 2015)